The following is an entry in ClinVar:

ClinVar aggregate classification (germline): Conflicting classifications of pathogenicity. Review status: criteria provided, conflicting classifications (1 of 4 stars). 5 submissions from 5 submitters: Pathogenic (1); Uncertain significance (3). 1 of the submissions does not count toward it. Last evaluated 2023-12-11.

Conditions:
Autosomal recessive limb-girdle muscular dystrophy type 2O. Also called: Limb-Girdle Muscular Dystrophy Type 3C; MUSCULAR DYSTROPHY-DYSTROGLYCANOPATHY (LIMB-GIRDLE), TYPE C, 3; MUSCULAR DYSTROPHY-DYSTROGLYCANOPATHY, LIMB-GIRDLE, POMGNT1-RELATED. Identifiers: Orphanet 206564, MedGen C3150417, MONDO:0013161, OMIM 613157.
Muscular dystrophy-dystroglycanopathy (congenital with impaired intellectual development), type B, 3. Also called: Muscular dystrophy-dystroglycanopathy (congenital with intellectual disability), type B3; MUSCULAR DYSTROPHY, CONGENITAL, POMGNT1-RELATED. Identifiers: MedGen C3150412, MONDO:0013155, OMIM 613151.
Muscle eye brain disease (MEB). Also called: Santavuori congenital muscular dystrophy. Identifiers: Orphanet 588, Orphanet 899, MedGen C0457133, MONDO:0018939.
Muscular dystrophy-dystroglycanopathy. Also called: Congenital muscular dystrophy due to dystroglycanopathy. Identifiers: Orphanet 370953, MedGen C5679911, MONDO:0018276.

Allele frequency attached by ClinVar (database versions not stated): gnomAD 0.00001; gnomAD exomes 0.00001 and 0.00002; TOPMed 0.00002; ExAC 0.00002.
gnomAD v4.1: 13 of 1,613,866 alleles (0.00081%); highest among the groups gnomAD compares: African/African-American, 0.004%; no homozygotes.

Submissions (5):

Labcorp Genetics (formerly Invitae), Labcorp
Classification: Uncertain significance for Autosomal recessive limb-girdle muscular dystrophy type 2O; Muscular dystrophy-dystroglycanopathy (congenital with impaired intellectual development), type B, 3. Last evaluated: 2023-12-11. Review status: criteria provided, single submitter. Criteria: Invitae Variant Classification Sherloc (09022015). Collection method: clinical testing. Allele origin: germline.
Comment: This sequence change replaces arginine, which is basic and polar, with glutamine, which is neutral and polar, at codon 129 of the POMGNT1 protein (p.Arg129Gln). This variant is present in population databases (rs770188918, gnomAD 0.01%). This missense change has been observed in individual(s) with muscular dystrophy‚Äö√Ñ√´dystroglycanopathy (PMID: 33175337). ClinVar contains an entry for this variant (Variation ID: 471406). Advanced modeling of protein sequence and biophysical properties (such as structural, functional, and spatial information, amino acid conservation, physicochemical variation, residue mobility, and thermodynamic stability) has been performed at Invitae for this missense variant, however the output from this modeling did not meet the statistical confidence thresholds required to predict the impact of this variant on POMGNT1 protein function. This variant disrupts the p.Arg129 amino acid residue in POMGNT1. Other variant(s) that disrupt this residue have been determined to be pathogenic (PMID: 28688748, 30961548, 34324503; Invitae). This suggests that this residue is clinically significant, and that variants that disrupt this residue are likely to be disease-causing. In summary, the available evidence is currently insufficient to determine the role of this variant in disease. Therefore, it has been classified as a Variant of Uncertain Significance.

Broad Center for Mendelian Genomics, Broad Institute of MIT and Harvard
Classification: Uncertain significance for Muscular dystrophy-dystroglycanopathy. Last evaluated: 2023-01-24. Review status: criteria provided, single submitter. Criteria: ACMG Guidelines, 2015. Collection method: curation. Allele origin: germline. Inheritance: Autosomal recessive inheritance.
Comment: The p.Arg129Gln variant in POMGNT1 has been reported in one individual, in the homozygous state, with POMGNT1-associated muscular dystrophy-dystroglycanopathy (PMID: 33175337), and has been identified in 0.01% (2/16230) of African/African American chromosomes by the Genome Aggregation Database (gnomAD; dbSNP ID: rs770188918). Although this variant has been seen in the general population in a heterozygous state, its frequency is not high enough to rule out a pathogenic role. This variant has also been reported in ClinVar (Variation ID #471406) and has been interpreted pathogenic by Medical Genetics Laboratory (Tarbiat Modares University) and as a variant of uncertain significance by Natera, Inc., Invitae, and Eurofins NTD LLC (GA). Computational prediction tools and conservation analyses do not provide strong support for or against an impact to the protein. One additional likely pathogenic variant, resulting in a different amino acid change at the same position, p.Arg129Trp, has been reported in association with disease in the literature/ClinVar, slightly supporting that a change at this position may not be tolerated (PMID: 28688748, 30961548, 34324503/Variation ID: 558512). In summary, the clinical significance of the p.Arg129Gln variant is uncertain. ACMG/AMP Criteria applied: PM3_Supporting, PM5_Supporting (Richards 2015).

Medical Genetics Laboratory, Tarbiat Modares University
Classification: Pathogenic for Autosomal recessive limb-girdle muscular dystrophy type 2O. Last evaluated: 2019-05-01. Review status: criteria provided, single submitter. Criteria: ACMG Guidelines, 2015. Collection method: clinical testing. Allele origin: inherited. Inheritance: Autosomal recessive inheritance. Affected: yes. Observed: 1 homozygote.
Comment: Delayed speech and language development; gait ataxia; global developmental delay; infantile onset; microcephaly; motor delay; neurodevelopmental delay; poor speech; postnatal microcephaly; strabismus.

Eurofins Ntd Llc (ga)
Classification: Uncertain significance. Last evaluated: 2017-05-25. Review status: criteria provided, single submitter. Criteria: EGL Classification Definitions 2015. Collection method: clinical testing. Allele origin: germline. Observed: 1 variant allele, 1 heterozygote.

Natera, Inc.
Classification: Uncertain significance for Muscle-eye-brain disease. Last evaluated: 2020-07-20. Review status: no assertion criteria provided. Collection method: clinical testing. Allele origin: germline. Not counted in ClinVar's aggregate classification.

Literature cited by the submitters: PubMed 33175337 (cited by Labcorp Genetics (formerly Invitae), Labcorp and Medical Genetics Laboratory, Tarbiat Modares University); PubMed 28688748 (cited by Labcorp Genetics (formerly Invitae), Labcorp); PubMed 30961548 (cited by Labcorp Genetics (formerly Invitae), Labcorp); PubMed 34324503 (cited by Labcorp Genetics (formerly Invitae), Labcorp).

NM_017739.4(POMGNT1):c.386G>A (p.Arg129Gln)

Genes: POMGNT1 (protein O-linked mannose N-acetylglucosaminyltransferase 1 (beta 1,2-); minus strand), TSPAN1 (tetraspanin 1; plus strand). Cytogenetic location: 1p34.1.
Variant type: single nucleotide variant.
Coding change: c.386G>A on transcript NM_017739.4 (MANE Select); coding-DNA position 386, G replaced by A.
Protein change: p.Arg129Gln; replaces arginine 129 with glutamine.
Molecular consequence: missense variant. On other transcripts: 5 prime UTR variant (1).
Genome position (GRCh38, 1-based): chr1:46,196,046, C>T on the plus strand (G>A on the coding strand, the complement: POMGNT1 is on the minus strand). VCF-style: chr1-46196046-C-T. GRCh37 (hg19) VCF-style: chr1-46661718-C-T.
Other names: NM_017739.4(POMGNT1):c.386G>A; p.Arg129Gln; c.386G>A, p.Arg129Gln (NM_001243766.2, NM_001410783.1); c.320G>A, p.Arg107Gln (NM_001290129.3); c.-44G>A (NM_001290130.2); short protein forms R129Q, R107Q.
Identifiers: ClinVar variation 471406 (VCV000471406.14), dbSNP rs770188918, ClinGen allele CA833755.